The following is an entry in ClinVar:

ClinVar aggregate classification (germline): Uncertain significance. Review status: criteria provided, multiple submitters, no conflicts (2 of 4 stars). 3 submissions from 3 submitters: Uncertain significance (3). Last evaluated 2026-01-26.

Conditions:
Hereditary cancer-predisposing syndrome. Also called: Hereditary neoplastic syndrome; Neoplastic Syndromes, Hereditary; Hereditary Cancer Syndrome; Tumor predisposition. Identifiers: Orphanet 140162, MedGen C0027672, MeSH D009386, MONDO:0015356.

Allele frequency attached by ClinVar (database versions not stated): gnomAD exomes 0.00002.
gnomAD v4.1: 18 of 1,614,214 alleles (0.0011%); highest among the groups gnomAD compares: Non-Finnish European, 0.0014%; no homozygotes.

Submissions (3):

Labcorp Genetics (formerly Invitae), Labcorp
Classification: Uncertain significance. Last evaluated: 2026-01-26. Review status: criteria provided, single submitter. Criteria: Invitae Variant Classification Sherloc (09022015). Collection method: clinical testing. Allele origin: germline.
Comment: This sequence change replaces leucine, which is neutral and non-polar, with arginine, which is basic and polar, at codon 2096 of the POLE protein (p.Leu2096Arg). This variant is not present in population databases (gnomAD no frequency). This variant has not been reported in the literature in individuals affected with POLE-related conditions. ClinVar contains an entry for this variant (Variation ID: 657733). Invitae Evidence Modeling of protein sequence and biophysical properties (such as structural, functional, and spatial information, amino acid conservation, physicochemical variation, residue mobility, and thermodynamic stability) indicates that this missense variant is not expected to disrupt POLE protein function with a negative predictive value of 80%. In summary, the available evidence is currently insufficient to determine the role of this variant in disease. Therefore, it has been classified as a Variant of Uncertain Significance.

Ambry Genetics
Classification: Uncertain significance for Hereditary cancer-predisposing syndrome. Last evaluated: 2024-06-22. Review status: criteria provided, single submitter. Criteria: Ambry Variant Classification Scheme 2023. Collection method: clinical testing. Allele origin: germline.
Comment: The p.L2096R variant (also known as c.6287T>G), located in coding exon 45 of the POLE gene, results from a T to G substitution at nucleotide position 6287. The leucine at codon 2096 is replaced by arginine, an amino acid with dissimilar properties. This amino acid position is conserved. In addition, this alteration is predicted to be tolerated by in silico analysis. Since supporting evidence is limited at this time, the clinical significance of this alteration remains unclear.

GeneDx
Classification: Uncertain significance. Last evaluated: 2022-07-08. Review status: criteria provided, single submitter. Criteria: GeneDx Variant Classification Process June 2021. Collection method: clinical testing. Allele origin: germline. Affected: yes.
Comment: Not observed at significant frequency in large population cohorts (gnomAD); In silico analysis supports that this missense variant does not alter protein structure/function; Has not been previously published as pathogenic or benign to our knowledge

NM_006231.4(POLE):c.6287T>G (p.Leu2096Arg)

Gene: POLE (DNA polymerase epsilon, catalytic subunit; minus strand). Cytogenetic location: 12q24.33.
Variant type: single nucleotide variant.
Coding change: c.6287T>G on transcript NM_006231.4 (MANE Select); coding-DNA position 6287, T replaced by G.
Protein change: p.Leu2096Arg; replaces leucine 2096 with arginine.
Molecular consequence: missense variant.
Genome position (GRCh38, 1-based): chr12:132,632,358, A>C on the plus strand (T>G on the coding strand, the complement: POLE is on the minus strand). VCF-style: chr12-132632358-A-C. GRCh37 (hg19) VCF-style: chr12-133208944-A-C.
Other names: short protein forms L2096R.
Identifiers: ClinVar variation 657733 (VCV000657733.13), dbSNP rs754604458, ClinGen allele CA246292666.